The following is an entry in ClinVar:

NM_015272.5(RPGRIP1L):c.1207A>G (p.Lys403Glu)

Gene: RPGRIP1L (RPGRIP1 like; minus strand). Cytogenetic location: 16q12.2.
Variant type: single nucleotide variant.
Coding change: c.1207A>G on transcript NM_015272.5 (MANE Select); coding-DNA position 1207, A replaced by G.
Protein change: p.Lys403Glu; replaces lysine 403 with glutamic acid.
Molecular consequence: missense variant.
Genome position (GRCh38, 1-based): chr16:53,664,906, T>C on the plus strand (A>G on the coding strand, the complement: RPGRIP1L is on the minus strand). VCF-style: chr16-53664906-T-C. GRCh37 (hg19) VCF-style: chr16-53698818-T-C.
Other names: c.1207A>G, p.Lys403Glu (NM_001127897.4, NM_001308334.3, NM_001330538.2); short protein forms K403E.
Identifiers: ClinVar variation 1715484 (VCV001715484.6), dbSNP rs2544399072, ClinGen allele CA395921536.

ClinVar aggregate classification (germline): Uncertain significance (1 of 4 stars; one submission).

Conditions:
Meckel-Gruber syndrome. Also called: DYSENCEPHALIA SPLANCHNOCYSTICA; GRUBER SYNDROME; Dysencephalia splachnocystica. Identifiers: Orphanet 564, MedGen C0265215, MONDO:0018921.
Joubert syndrome. Also called: CEREBELLOPARENCHYMAL DISORDER IV; JOUBERT-BOLTSHAUSER SYNDROME; Familial aplasia of the vermis. Identifiers: Orphanet 475, MedGen C5979921, MONDO:0018772.

Allele frequency attached by ClinVar (database versions not stated): gnomAD exomes below 0.00001.
gnomAD v4.1: 1 of 1,612,696 alleles (0.000062%); highest among the groups gnomAD compares: South Asian, 0.0011%; no homozygotes.

Submission:

Labcorp Genetics (formerly Invitae), Labcorp
Classification: Uncertain significance for Joubert syndrome; Meckel-Gruber syndrome. Last evaluated: 2022-08-07. Review status: criteria provided, single submitter. Criteria: Invitae Variant Classification Sherloc (09022015). Collection method: clinical testing. Allele origin: germline.
Comment: This sequence change replaces lysine, which is basic and polar, with glutamic acid, which is acidic and polar, at codon 403 of the RPGRIP1L protein (p.Lys403Glu). This variant is not present in population databases (gnomAD no frequency). This variant has not been reported in the literature in individuals affected with RPGRIP1L-related conditions. Algorithms developed to predict the effect of missense changes on protein structure and function are either unavailable or do not agree on the potential impact of this missense change (SIFT: "Deleterious"; PolyPhen-2: "Possibly Damaging"; Align-GVGD: "Class C0"). In summary, the available evidence is currently insufficient to determine the role of this variant in disease. Therefore, it has been classified as a Variant of Uncertain Significance.